The following is an entry in ClinVar:

NM_001999.4(FBN2):c.4864C>T (p.Pro1622Ser)

Gene: FBN2 (fibrillin 2; minus strand). Cytogenetic location: 5q23.3.
Variant type: single nucleotide variant.
Coding change: c.4864C>T on transcript NM_001999.4 (MANE Select); coding-DNA position 4864, C replaced by T.
Protein change: p.Pro1622Ser; replaces proline 1622 with serine.
Molecular consequence: missense variant.
Genome position (GRCh38, 1-based): chr5:128,312,649, G>A on the plus strand (C>T on the coding strand, the complement: FBN2 is on the minus strand). VCF-style: chr5-128312649-G-A. GRCh37 (hg19) VCF-style: chr5-127648341-G-A.
Other names: short protein forms P1622S.
Identifiers: ClinVar variation 3620791 (VCV003620791.3).

ClinVar aggregate classification (germline): Uncertain significance. Review status: criteria provided, multiple submitters, no conflicts (2 of 4 stars). 2 submissions from 2 submitters: Uncertain significance (2). Last evaluated 2024-09-29.

Conditions:
Congenital contractural arachnodactyly (CCA). Also called: BEALS SYNDROME; Arthrogryposis, distal, type 9; Beals-Hecht syndrome. Identifiers: Orphanet 115, MedGen C0220668, MONDO:0007363, OMIM 121050.

gnomAD v4.1: 28 of 1,613,690 alleles (0.0017%); highest among the groups gnomAD compares: Non-Finnish European, 0.0023%; no homozygotes.

Submissions (2):

Labcorp Genetics (formerly Invitae), Labcorp
Classification: Uncertain significance for Congenital contractural arachnodactyly. Last evaluated: 2024-09-29. Review status: criteria provided, single submitter. Criteria: Invitae Variant Classification Sherloc (09022015). Collection method: clinical testing. Allele origin: germline.
Comment: This sequence change replaces proline, which is neutral and non-polar, with serine, which is neutral and polar, at codon 1622 of the FBN2 protein (p.Pro1622Ser). This variant is not present in population databases (gnomAD no frequency). This variant has not been reported in the literature in individuals affected with FBN2-related conditions. Invitae Evidence Modeling of protein sequence and biophysical properties (such as structural, functional, and spatial information, amino acid conservation, physicochemical variation, residue mobility, and thermodynamic stability) has been performed for this missense variant. However, the output from this modeling did not meet the statistical confidence thresholds required to predict the impact of this variant on FBN2 protein function. In summary, the available evidence is currently insufficient to determine the role of this variant in disease. Therefore, it has been classified as a Variant of Uncertain Significance.

Blueprint Genetics
Classification: Uncertain significance. Last evaluated: 2021-07-01. Review status: criteria provided, single submitter. Criteria: ACMG Guidelines, 2015. Collection method: clinical testing. Allele origin: germline.